The following is an entry in ClinVar:

ClinVar aggregate classification (germline): Uncertain significance (1 of 4 stars; one submission).

Conditions:
Acrokeratosis verruciformis of Hopf (AKV). Also called: HOPF DISEASE; Acrokeratosis verruciformis. Identifiers: Orphanet 79151, MedGen C0265971, MONDO:0007048, OMIM 101900.

Allele frequency attached by ClinVar (database versions not stated): gnomAD exomes below 0.00001; TOPMed below 0.00001.

Submission:

Centre for Mendelian Genomics, University Medical Centre Ljubljana
Classification: Uncertain significance for Acrokeratosis verruciformis of Hopf. Last evaluated: 2020-04-02. Review status: criteria provided, single submitter. Criteria: ACMG Guidelines, 2015. Collection method: clinical testing. Allele origin: unknown. Affected: yes.
Comment: This variant was classified as: Uncertain significance. The available evidence on this variant's pathogenicity is insufficient or conflicting. The following ACMG criteria were applied in classifying this variant: PM2,PP2,PP3,BS2.

NM_170665.4(ATP2A2):c.688A>G (p.Thr230Ala)

Gene: ATP2A2 (ATPase sarcoplasmic/endoplasmic reticulum Ca2+ transporting 2; plus strand). Cytogenetic location: 12q24.11.
Variant type: single nucleotide variant.
Coding change: c.688A>G on transcript NM_170665.4 (MANE Select); coding-DNA position 688, A replaced by G.
Protein change: p.Thr230Ala; replaces threonine 230 with alanine.
Molecular consequence: missense variant.
Genome position (GRCh38, 1-based): chr12:110,327,610, A>G. VCF-style: chr12-110327610-A-G. GRCh37 (hg19) VCF-style: chr12-110765415-A-G.
Other names: c.688A>G, p.Thr230Ala (NM_001681.4); short protein forms T230A.
Identifiers: ClinVar variation 930659 (VCV000930659.3), dbSNP rs1337166364, ClinGen allele CA386666966.